The following is an entry in ClinVar:

NM_004260.4(RECQL4):c.488C>G (p.Pro163Arg)

Gene: RECQL4 (RecQ like helicase 4; minus strand). Cytogenetic location: 8q24.3.
Variant type: single nucleotide variant.
Coding change: c.488C>G on transcript NM_004260.4 (MANE Select); coding-DNA position 488, C replaced by G.
Protein change: p.Pro163Arg; replaces proline 163 with arginine.
Molecular consequence: missense variant.
Genome position (GRCh38, 1-based): chr8:144,516,631, G>C on the plus strand (C>G on the coding strand, the complement: RECQL4 is on the minus strand). VCF-style: chr8-144516631-G-C. GRCh37 (hg19) VCF-style: chr8-145742015-G-C.
Other names: c.488C>G, p.Pro163Arg (NM_001413017.1, NM_001413018.1, NM_001413019.1 and 4 more transcripts); c.-584C>G (NM_001413022.1, NM_001413023.1, NM_001413024.1 and 5 more transcripts); c.359C>G, p.Pro120Arg (NM_001413025.1); c.-646C>G (NM_001413027.1, NM_001413030.1, NM_001413031.1 and 2 more transcripts); c.-488C>G (NM_001413034.1); c.-853C>G (NM_001413043.1); short protein forms P120R, P163R.
Identifiers: ClinVar variation 1805272 (VCV001805272.9), dbSNP rs2538099047, ClinGen allele CA372691282.
Genomic context (GRCh38, chr8:144,516,631, plus strand): 5'-AGCCGCTGGCTCAGGGATGCCTGCAGATGCTGGAGCCGGCCTGGCCTTGGCTGGGGCTCA[G>C]GGAGCTGTGGAGGCTCATCACTGACTTTTTCTGCAAAGGAGGGGACAGGCCCTGTACCTG-3'
Protein context (NP_004251.4, residues 153-173): EKVSDEPPQL[Pro163Arg]EPQPRPGRLQ

ClinVar aggregate classification (germline): Uncertain significance. Review status: criteria provided, multiple submitters, no conflicts (2 of 4 stars). 2 submissions from 2 submitters: Uncertain significance (2). Last evaluated 2022-02-02.

Conditions:
Rothmund-Thomson syndrome type 2 (RTS2). Identifiers: Orphanet 221016, MedGen C5203410, MONDO:0016369, OMIM 268400.
Baller-Gerold syndrome (BGS). Also called: CRANIOSYNOSTOSIS WITH RADIAL DEFECTS. Identifiers: Orphanet 1225, MedGen C0265308, MONDO:0009039, OMIM 218600.

Allele frequency attached by ClinVar (database versions not stated): gnomAD exomes below 0.00001.
gnomAD v4.1: 2 of 1,610,124 alleles (0.00012%); highest among the groups gnomAD compares: Non-Finnish European, 0.00017%; no homozygotes.

Submissions (2):

Victorian Clinical Genetics Services, Murdoch Childrens Research Institute
Classification: Uncertain significance for Rothmund-Thomson syndrome type 2. Last evaluated: 2022-02-02. Review status: criteria provided, single submitter. Criteria: ACMG Guidelines, 2015. Collection method: clinical testing. Allele origin: germline. Inheritance: Autosomal recessive inheritance.
Comment: Based on the classification scheme VCGS_Germline_v1.3.4, this variant is classified as VUS-3C. Following criteria are met: 0102 - Loss of function is a known mechanism of disease in this gene and is associated with Baller-Gerold syndrome (MIM#218600), RAPADILINO syndrome (MIM#266280) and Rothmund-Thomson syndrome (MIM#268400). There is currently no phenotype-genotype correlation. (I) 0106 - This gene is associated with autosomal recessive disease. (I) 0200 - Variant is predicted to result in a missense amino acid change from proline to arginine. (I) 0251 - This variant is heterozygous. (I) 0301 - Variant is absent from gnomAD (both v2 and v3). (SP) 0309 - Multiple alternative amino acid changes at the same position have been observed in gnomAD (Highest allele count v3: 1 heterozygote, 0 homozygotes). (I) 0504 - Same amino acid change has been observed in placental mammals. (SB) 0604 - Variant is not located in an established domain, motif, hotspot or informative constraint region. (I) 0710 - Another missense variant comparable to the one identified in this case has inconclusive previous evidence for pathogenicity. p.(Pro163Ser) has been classified as a VUS by a diagnostic laboratory in ClinVar. (I) 0807 - This variant has no previous evidence of pathogenicity. (I) 0905 - No published segregation evidence has been identified for this variant. (I) 1007 - No published functional evidence has been identified for this variant. (I) 1208 - Inheritance information for this variant is not currently available in this individual. (I) Legend: (SP) - Supporting pathogenic, (I) - Information, (SB) - Supporting benign

Labcorp Genetics (formerly Invitae), Labcorp
Classification: Uncertain significance for Baller-Gerold syndrome. Last evaluated: 2022-01-31. Review status: criteria provided, single submitter. Criteria: Invitae Variant Classification Sherloc (09022015). Collection method: clinical testing. Allele origin: germline.
Comment: This variant has not been reported in the literature in individuals affected with RECQL4-related conditions. This variant is not present in population databases (gnomAD no frequency). This sequence change replaces proline, which is neutral and non-polar, with arginine, which is basic and polar, at codon 163 of the RECQL4 protein (p.Pro163Arg). Experimental studies and prediction algorithms are not available or were not evaluated, and the functional significance of this variant is currently unknown. In summary, the available evidence is currently insufficient to determine the role of this variant in disease. Therefore, it has been classified as a Variant of Uncertain Significance.